The following is an entry in ClinVar:

NM_020778.5(ALPK3):c.1775C>T (p.Thr592Ile)

Gene: ALPK3 (alpha kinase 3; plus strand). Cytogenetic location: 15q25.3.
Variant type: single nucleotide variant.
Coding change: c.1775C>T on transcript NM_020778.5 (MANE Select); coding-DNA position 1775, C replaced by T.
Protein change: p.Thr592Ile; replaces threonine 592 with isoleucine.
Molecular consequence: missense variant.
Genome position (GRCh38, 1-based): chr15:84,856,513, C>T. VCF-style: chr15-84856513-C-T. GRCh37 (hg19) VCF-style: chr15-85399744-C-T.
Other names: short protein forms T592I.
Identifiers: ClinVar variation 4745005 (VCV004745005.1).
Genomic context (GRCh38, chr15:84,856,513, plus strand): 5'-CCTCCATTGGGGTTAGCACTTCCGGAAGTCAAGGTATCATTGAACCCATGGATATGGAAA[C>T]CCAGGAGGATGGGAGAACATCTGCTAACCAGAGAACTGGAAGCAAGAAGAATGTGCAGGC-3'
Protein context (NP_065829.4, residues 582-602): QGIIEPMDME[Thr592Ile]QEDGRTSANQ

ClinVar aggregate classification (germline): Uncertain significance (1 of 4 stars; one submission).

Submission:

Labcorp Genetics (formerly Invitae), Labcorp
Classification: Uncertain significance. Last evaluated: 2025-03-15. Review status: criteria provided, single submitter. Criteria: Invitae Variant Classification Sherloc (09022015). Collection method: clinical testing. Allele origin: germline.
Comment: This sequence change replaces threonine, which is neutral and polar, with isoleucine, which is neutral and non-polar, at codon 794 of the ALPK3 protein (p.Thr794Ile). This variant is not present in population databases (gnomAD no frequency). This variant has not been reported in the literature in individuals affected with ALPK3-related conditions. Invitae Evidence Modeling of protein sequence and biophysical properties (such as structural, functional, and spatial information, amino acid conservation, physicochemical variation, residue mobility, and thermodynamic stability) indicates that this missense variant is not expected to disrupt ALPK3 protein function with a negative predictive value of 80%. In summary, the available evidence is currently insufficient to determine the role of this variant in disease. Therefore, it has been classified as a Variant of Uncertain Significance.